The following is an entry in ClinVar:

ClinVar aggregate classification (germline): Uncertain significance (1 of 4 stars; one submission).

gnomAD v4.1: 12 of 1,612,256 alleles (0.00074%); highest among the groups gnomAD compares: Admixed American, 0.02%; no homozygotes.

Submission:

GeneDx
Classification: Uncertain significance. Last evaluated: 2023-07-03. Review status: criteria provided, single submitter. Criteria: GeneDx Variant Classification Process June 2021. Collection method: clinical testing. Allele origin: germline. Affected: yes.
Comment: In silico analysis supports that this missense variant has a deleterious effect on protein structure/function; Has not been previously published as pathogenic or benign to our knowledge

NM_001372106.1(DNAH10):c.4392G>T (p.Arg1464Ser)

Gene: DNAH10 (dynein axonemal heavy chain 10; plus strand). Cytogenetic location: 12q24.31.
Variant type: single nucleotide variant.
Coding change: c.4392G>T on transcript NM_001372106.1 (MANE Select); coding-DNA position 4392, G replaced by T.
Protein change: p.Arg1464Ser; replaces arginine 1464 with serine.
Molecular consequence: missense variant.
Genome position (GRCh38, 1-based): chr12:123,830,546, G>T. VCF-style: chr12-123830546-G-T. GRCh37 (hg19) VCF-style: chr12-124315093-G-T.
Other names: c.4038G>T, p.Arg1346Ser (NM_207437.3); short protein forms R1346S, R1464S.
Identifiers: ClinVar variation 3360803 (VCV003360803.1).